The following is an entry in ClinVar:

ClinVar aggregate classification (germline): Uncertain significance (1 of 4 stars; one submission).

Conditions:
Familial cold autoinflammatory syndrome 3 (FCAS3). Also called: FAMILIAL ATYPICAL COLD URTICARIA; ANTIBODY DEFICIENCY AND IMMUNE DYSREGULATION, PLCG2-ASSOCIATED. Identifiers: Orphanet 300359, MedGen C3280914, MONDO:0013766, OMIM 614468.

Allele frequency attached by ClinVar (database versions not stated): TOPMed below 0.00001.
gnomAD v4.1: 2 of 1,614,110 alleles (0.00012%); highest among the groups gnomAD compares: South Asian, 0.0011%; no homozygotes.

Submission:

Labcorp Genetics (formerly Invitae), Labcorp
Classification: Uncertain significance for Familial cold autoinflammatory syndrome 3. Last evaluated: 2025-04-10. Review status: criteria provided, single submitter. Criteria: Invitae Variant Classification Sherloc (09022015). Collection method: clinical testing. Allele origin: germline.
Comment: This sequence change replaces proline, which is neutral and non-polar, with serine, which is neutral and polar, at codon 885 of the PLCG2 protein (p.Pro885Ser). This variant is not present in population databases (gnomAD no frequency). This variant has not been reported in the literature in individuals affected with PLCG2-related conditions. ClinVar contains an entry for this variant (Variation ID: 2882077). An algorithm developed to predict the effect of missense changes on protein structure and function (PolyPhen-2) suggests that this variant is likely to be tolerated. In summary, the available evidence is currently insufficient to determine the role of this variant in disease. Therefore, it has been classified as a Variant of Uncertain Significance.

NM_002661.5(PLCG2):c.2653C>T (p.Pro885Ser)

Gene: PLCG2 (phospholipase C gamma 2; plus strand). Cytogenetic location: 16q23.3.
Variant type: single nucleotide variant.
Coding change: c.2653C>T on transcript NM_002661.5 (MANE Select); coding-DNA position 2653, C replaced by T.
Protein change: p.Pro885Ser; replaces proline 885 with serine.
Molecular consequence: missense variant.
Genome position (GRCh38, 1-based): chr16:81,931,568, C>T. VCF-style: chr16-81931568-C-T. GRCh37 (hg19) VCF-style: chr16-81965173-C-T.
Other names: c.2653C>T, p.Pro885Ser (NM_001425749.1, NM_001425750.1, NM_001425751.1); short protein forms P885S.
Identifiers: ClinVar variation 2882077 (VCV002882077.3), dbSNP rs768495444, ClinGen allele CA396903589.
Genomic context (GRCh38, chr16:81,931,568, plus strand): 5'-CAGGGAAAAAACCAGAAGTCCTTTGTCTTCATCCTGGAGCCCAAGCAGCAGGGCGATCCT[C>T]CGGTGGAGTTTGCCACAGACAGGGTGGAGGAGCTCTTTGAGTGGTTTCAGAGCATCCGAG-3'
Protein context (NP_002652.2, residues 875-895): ILEPKQQGDP[Pro885Ser]VEFATDRVEE